The following is an entry in ClinVar:

NM_001399.5(EDA):c.396+53500_396+53502dup

Gene: EDA (ectodysplasin A; plus strand). Cytogenetic location: Xq13.1.
Variant type: Duplication.
Coding change: c.396+53500_396+53502dup on transcript NM_001399.5 (MANE Select); bases 53500 to 53502 of the intron after coding-DNA position 396, 3 bases duplicated (TTT; older notation c.396+53500_396+53502dupTTT).
Molecular consequence: intron variant.
Genome position (GRCh38, 1-based): chrX:69,670,204-69,670,206, TTT duplicated. VCF-style (leftmost placement, unchanged base first): chrX-69670203-C-CTTT. GRCh37 (hg19) VCF-style: chrX-68890047-C-CTTT.
Other names: c.396+53500_396+53502dup (NM_001005609.2, NM_001440762.1, NM_001440761.1 and 2 more transcripts); c.397-6_397-4dup (NM_001005613.4).
Identifiers: ClinVar variation 4884024 (VCV004884024.2).

ClinVar aggregate classification (germline): Uncertain significance (1 of 4 stars; one submission).

Submission:

Dasa
Classification: Uncertain significance. Last evaluated: 2025-01-28. Review status: criteria provided, single submitter. Criteria: DASA Assertion Criteria. Collection method: clinical testing. Allele origin: germline.
Comment: NM_001005613.4(EDA):c.397-6_397-4dup is a splice-region variant. This variant is rare in population databases. The currently available literature and clinical evidence are not sufficient to establish a definitive association between this variant and the reported condition. Therefore, this variant is classified as a variant of uncertain significance.